The following is an entry in ClinVar:

ClinVar aggregate classification (germline): Uncertain significance (1 of 4 stars; one submission).

Submission:

Labcorp Genetics (formerly Invitae), Labcorp
Classification: Uncertain significance. Last evaluated: 2022-04-22. Review status: criteria provided, single submitter. Criteria: Invitae Variant Classification Sherloc (09022015). Collection method: clinical testing. Allele origin: germline.
Comment: In summary, the available evidence is currently insufficient to determine the role of this variant in disease. Therefore, it has been classified as a Variant of Uncertain Significance. Algorithms developed to predict the effect of missense changes on protein structure and function are either unavailable or do not agree on the potential impact of this missense change (SIFT: "Deleterious"; PolyPhen-2: "Benign"; Align-GVGD: "Class C35"). This variant has not been reported in the literature in individuals affected with MYH3-related conditions. This variant is not present in population databases (gnomAD no frequency). This sequence change replaces lysine, which is basic and polar, with asparagine, which is neutral and polar, at codon 51 of the MYH3 protein (p.Lys51Asn).

NM_002470.4(MYH3):c.153A>T (p.Lys51Asn)

Gene: MYH3 (myosin heavy chain 3; minus strand). Cytogenetic location: 17p13.1.
Variant type: single nucleotide variant.
Coding change: c.153A>T on transcript NM_002470.4 (MANE Select); coding-DNA position 153, A replaced by T.
Protein change: p.Lys51Asn; replaces lysine 51 with asparagine.
Molecular consequence: missense variant.
Genome position (GRCh38, 1-based): chr17:10,654,912, T>A on the plus strand (A>T on the coding strand, the complement: MYH3 is on the minus strand). VCF-style: chr17-10654912-T-A. GRCh37 (hg19) VCF-style: chr17-10558229-T-A.
Other names: short protein forms K51N.
Identifiers: ClinVar variation 2129082 (VCV002129082.4), dbSNP rs2508654883, ClinGen allele CA398118764.